The following is an entry in ClinVar:

ClinVar aggregate classification (germline): Uncertain significance (1 of 4 stars; one submission).

Conditions:
H syndrome. Also called: FAISALABAD HISTIOCYTOSIS; Histiocytosis with joint contractures and sensorineural deafness; Asrar Facharzt Haque syndrome; HISTIOCYTOSIS AND LYMPHADENOPATHY WITH OR WITHOUT CUTANEOUS, CARDIAC, AND/OR ENDOCRINE FEATURES, JOINT CONTRACTURES, AND/OR DEAFNESS; HYPERPIGMENTATION, CUTANEOUS, WITH HYPERTRICHOSIS, HEPATOSPLENOMEGALY, HEART ANOMALIES, AND HYPOGONADISM WITH OR WITHOUT HEARING LOSS; PIGMENTED HYPERTRICHOSIS WITH INSULIN-DEPENDENT DIABETES MELLITUS. Identifiers: Orphanet 168569, MedGen C1864445, MONDO:0011273, OMIM 602782.

Allele frequency attached by ClinVar (database versions not stated): TOPMed below 0.00001; gnomAD 0.00001 and 0.00003; gnomAD exomes 0.00002 and 0.00004; ExAC 0.00007; 1000 Genomes Project 30x 0.00016; 1000 Genomes Project 0.00020.
gnomAD v4.1: 36 of 1,614,232 alleles (0.0022%); highest among the groups gnomAD compares: South Asian, 0.037%; no homozygotes.

Submission:

Labcorp Genetics (formerly Invitae), Labcorp
Classification: Uncertain significance for H syndrome. Last evaluated: 2020-09-16. Review status: criteria provided, single submitter. Criteria: Invitae Variant Classification Sherloc (09022015). Collection method: clinical testing. Allele origin: germline.
Comment: This variant has not been reported in the literature in individuals with SLC29A3-related conditions. In summary, the available evidence is currently insufficient to determine the role of this variant in disease. Therefore, it has been classified as a Variant of Uncertain Significance. Algorithms developed to predict the effect of sequence changes on RNA splicing suggest that this variant may create or strengthen a splice site, but this prediction has not been confirmed by published transcriptional studies. Algorithms developed to predict the effect of missense changes on protein structure and function (SIFT, PolyPhen-2, Align-GVGD) all suggest that this variant is likely to be tolerated, but these predictions have not been confirmed by published functional studies and their clinical significance is uncertain. This variant is present in population databases (rs564350775, ExAC 0.04%). This sequence change replaces alanine with valine at codon 30 of the SLC29A3 protein (p.Ala30Val). The alanine residue is weakly conserved and there is a small physicochemical difference between alanine and valine.

NM_018344.6(SLC29A3):c.89C>T (p.Ala30Val)

Gene: SLC29A3 (solute carrier family 29 member 3; plus strand). Cytogenetic location: 10q22.1.
Variant type: single nucleotide variant.
Coding change: c.89C>T on transcript NM_018344.6 (MANE Select); coding-DNA position 89, C replaced by T.
Protein change: p.Ala30Val; replaces alanine 30 with valine.
Molecular consequence: missense variant. On other transcripts: 5 prime UTR variant (1), non-coding transcript variant (2).
Genome position (GRCh38, 1-based): chr10:71,322,843, C>T. VCF-style: chr10-71322843-C-T. GRCh37 (hg19) VCF-style: chr10-73082600-C-T.
Other names: c.89C>T, p.Ala30Val (NM_001174098.2); c.-146C>T (NM_001363518.2); short protein forms A30V.
Identifiers: ClinVar variation 1051546 (VCV001051546.9), dbSNP rs564350775, ClinGen allele CA5542812.